The following is an entry in ClinVar:

NM_002382.5(MAX):c.36C>T (p.Asp12=)

Genes: MAX (MYC associated transcriptional regulator X; minus strand), LOC130055850 (ATAC-STARR-seq lymphoblastoid silent region 5847; plus strand). Cytogenetic location: 14q23.3.
Variant type: single nucleotide variant.
Coding change: c.36C>T on transcript NM_002382.5 (MANE Select); coding-DNA position 36, C replaced by T.
Protein change: p.Asp12=; no amino-acid change (aspartic acid 12 retained).
Molecular consequence: synonymous variant. On other transcripts: 5 prime UTR variant (1).
Genome position (GRCh38, 1-based): chr14:65,102,304, G>A on the plus strand (C>T on the coding strand, the complement: MAX is on the minus strand). VCF-style: chr14-65102304-G-A. GRCh37 (hg19) VCF-style: chr14-65569022-G-A.
Other names: c.36C>T, p.Asp12= (NM_001271068.2, NM_001271069.2, NM_145112.3 and 3 more transcripts); c.-239C>T (NM_001320415.2); c.36C>T (NM_002382.3).
Identifiers: ClinVar variation 1384702 (VCV001384702.7), dbSNP rs370402660, ClinGen allele CA486744408.

ClinVar aggregate classification (germline): Uncertain significance. Review status: criteria provided, multiple submitters, no conflicts (2 of 4 stars). 2 submissions from 2 submitters: Uncertain significance (2). Last evaluated 2025-07-18.

Conditions:
Hereditary cancer-predisposing syndrome. Also called: Tumor predisposition; Hereditary Cancer Syndrome; Hereditary neoplastic syndrome; Neoplastic Syndromes, Hereditary. Identifiers: Orphanet 140162, MedGen C0027672, MeSH D009386, MONDO:0015356.
Hereditary pheochromocytoma and paraganglioma. Also called: Hereditary paragangliomas and pheochromocytomas; Hereditary Paraganglioma-Pheochromocytoma Syndromes; Hereditary pheochromocytoma-paraganglioma. Identifiers: Orphanet 29072, MedGen C4274332, MONDO:0017366.

gnomAD v4.1: 1 of 1,613,784 alleles (0.000062%); highest among the groups gnomAD compares: Non-Finnish European, 0.000085%; no homozygotes.

Submissions (2):

Labcorp Genetics (formerly Invitae), Labcorp
Classification: Uncertain significance for Hereditary pheochromocytoma and paraganglioma. Last evaluated: 2025-07-18. Review status: criteria provided, single submitter. Criteria: Invitae Variant Classification Sherloc (09022015). Collection method: clinical testing. Allele origin: germline.
Comment: This sequence change affects codon 12 of the MAX mRNA. It is a 'silent' change, meaning that it does not change the encoded amino acid sequence of the MAX protein. It affects a nucleotide within the consensus splice site. This variant is not present in population databases (gnomAD no frequency). This variant has not been reported in the literature in individuals affected with MAX-related conditions. ClinVar contains an entry for this variant (Variation ID: 1384702). RNA analysis provides insufficient evidence to determine the effect of this variant on MAX splicing (internal data). In summary, the available evidence is currently insufficient to determine the role of this variant in disease. Therefore, it has been classified as a Variant of Uncertain Significance.

Ambry Genetics
Classification: Uncertain significance for Hereditary cancer-predisposing syndrome. Last evaluated: 2023-12-13. Review status: criteria provided, single submitter. Criteria: Ambry Variant Classification Scheme 2023. Collection method: clinical testing. Allele origin: germline.
Comment: The c.36C>T variant (also known as p.D12D), located in coding exon 1 of the MAX gene, results from a C to T substitution at nucleotide position 36. This nucleotide substitution does not change the aspartic acid at codon 12. However, this change occurs in the last base pair of coding exon 1, which makes it likely to have some effect on normal mRNA splicing. This nucleotide position is well conserved in available vertebrate species. In silico splice site analysis predicts that this alteration will not have any significant effect on splicing. Since supporting evidence is limited at this time, the clinical significance of this alteration remains unclear.